The following is an entry in ClinVar:

ClinVar aggregate classification (germline): Uncertain significance (1 of 4 stars; one submission).

Conditions:
EGFR-related lung cancer (EGFR). Identifiers: MedGen CN130014.

Allele frequency attached by ClinVar (database versions not stated): gnomAD exomes below 0.00001.
gnomAD v4.1: 3 of 1,614,014 alleles (0.00019%); highest among the groups gnomAD compares: Non-Finnish European, 0.00017%; no homozygotes.

Submission:

Labcorp Genetics (formerly Invitae), Labcorp
Classification: Uncertain significance for EGFR-related lung cancer. Last evaluated: 2023-06-09. Review status: criteria provided, single submitter. Criteria: Invitae Variant Classification Sherloc (09022015). Collection method: clinical testing. Allele origin: germline.
Comment: This sequence change replaces tryptophan, which is neutral and slightly polar, with serine, which is neutral and polar, at codon 951 of the EGFR protein (p.Trp951Ser). In summary, the available evidence is currently insufficient to determine the role of this variant in disease. Therefore, it has been classified as a Variant of Uncertain Significance. Advanced modeling of protein sequence and biophysical properties (such as structural, functional, and spatial information, amino acid conservation, physicochemical variation, residue mobility, and thermodynamic stability) performed at Invitae indicates that this missense variant is expected to disrupt EGFR protein function. This variant has not been reported in the literature in individuals affected with EGFR-related conditions. This variant is not present in population databases (gnomAD no frequency).

NM_005228.5(EGFR):c.2852G>C (p.Trp951Ser)

Gene: EGFR (epidermal growth factor receptor; plus strand). Cytogenetic location: 7p11.2.
Variant type: single nucleotide variant.
Coding change: c.2852G>C on transcript NM_005228.5 (MANE Select); coding-DNA position 2852, G replaced by C.
Protein change: p.Trp951Ser; replaces tryptophan 951 with serine.
Molecular consequence: missense variant.
Genome position (GRCh38, 1-based): chr7:55,200,319, G>C. VCF-style: chr7-55200319-G-C. GRCh37 (hg19) VCF-style: chr7-55268012-G-C.
Other names: c.2717G>C, p.Trp906Ser (NM_001346897.2, NM_001346899.2); c.2852G>C, p.Trp951Ser (NM_001346898.2); c.2693G>C, p.Trp898Ser (NM_001346900.2); c.2051G>C, p.Trp684Ser (NM_001346941.2); short protein forms W684S, W906S, W898S, W951S.
Identifiers: ClinVar variation 2699384 (VCV002699384.3), dbSNP rs2128969775, ClinGen allele CA367581671.